The following is an entry in ClinVar:

ClinVar aggregate classification (germline): Pathogenic (1 of 4 stars; one submission).

Submission:

GeneDx
Classification: Pathogenic. Last evaluated: 2024-05-01. Review status: criteria provided, single submitter. Criteria: GeneDx Variant Classification Process June 2021. Collection method: clinical testing. Allele origin: germline. Affected: yes.
Comment: Occurs in the triple helical domain and replaces a glycine in a canonical Gly-X-Y repeat; missense substitution of a canonical glycine residue is expected to disrupt normal protein folding and function, and this is an established mechanism of disease (PMID: 34007986); Not observed at significant frequency in large population cohorts (gnomAD); In silico analysis supports that this missense variant has a deleterious effect on protein structure/function; This variant is associated with the following publications: (PMID: 7741714, 34007986, 25823796)

NM_001844.5(COL2A1):c.1529G>A (p.Gly510Asp)

Gene: COL2A1 (collagen type II alpha 1 chain; minus strand). Cytogenetic location: 12q13.11.
Variant type: single nucleotide variant.
Coding change: c.1529G>A on transcript NM_001844.5 (MANE Select); coding-DNA position 1529, G replaced by A.
Protein change: p.Gly510Asp; replaces glycine 510 with aspartic acid.
Molecular consequence: missense variant.
Genome position (GRCh38, 1-based): chr12:47,985,964, C>T on the plus strand (G>A on the coding strand, the complement: COL2A1 is on the minus strand). VCF-style: chr12-47985964-C-T. GRCh37 (hg19) VCF-style: chr12-48379747-C-T.
Other names: c.1322G>A, p.Gly441Asp (NM_033150.3); short protein forms G441D, G510D.
Identifiers: ClinVar variation 3370629 (VCV003370629.1).
Genomic context (GRCh38, chr12:47,985,964, plus strand): 5'-CCACTCACCTTGGGACCTGCCAGACCATCTTGACCTGGGAAACCGCGGTTGCCGGGAGCA[C>T]CCTAAGGAGCCACAGGGAGGAGAGGCAGTGAGTGAGAACAGCCCCAACCCAGCCAGGCTC-3'
Protein context (NP_001835.3, residues 500-520): VGPIGPPGER[Gly510Asp]APGNRGFPGQ